The following is an entry in ClinVar:

NM_001298.3(CNGA3):c.1126G>A (p.Glu376Lys)

Gene: CNGA3 (cyclic nucleotide gated channel subunit alpha 3; plus strand). Cytogenetic location: 2q11.2.
Variant type: single nucleotide variant.
Coding change: c.1126G>A on transcript NM_001298.3 (MANE Select); coding-DNA position 1126, G replaced by A.
Protein change: p.Glu376Lys; replaces glutamic acid 376 with lysine.
Molecular consequence: missense variant.
Genome position (GRCh38, 1-based): chr2:98,396,296, G>A. VCF-style: chr2-98396296-G-A. GRCh37 (hg19) VCF-style: chr2-99012759-G-A.
Other names: c.1072G>A, p.Glu358Lys (NM_001079878.2); short protein forms E358K, E376K.
Identifiers: ClinVar variation 866210 (VCV000866210.11), dbSNP rs1377555853, ClinGen allele CA347832880.

ClinVar aggregate classification (germline): Conflicting classifications of pathogenicity. Review status: criteria provided, conflicting classifications (1 of 4 stars). 4 submissions from 4 submitters: Pathogenic (1); Likely pathogenic (2); Uncertain significance (1). Last evaluated 2025-03-17.

Conditions:
CNGA3-related disorders.
Achromatopsia 2 (ACHM2). Also called: ROD MONOCHROMACY 2; ROD MONOCHROMATISM 2; COLORBLINDNESS, TOTAL. Identifiers: Orphanet 49382, MedGen C1857618, MONDO:0009003, OMIM 216900.

Allele frequency attached by ClinVar (database versions not stated): gnomAD exomes below 0.00001 and 0.00001; TOPMed 0.00001; gnomAD 0.00002.
gnomAD v4.1: 13 of 1,610,786 alleles (0.00081%); highest among the groups gnomAD compares: Non-Finnish European, 0.001%; no homozygotes.

Submissions (4):

Labcorp Genetics (formerly Invitae), Labcorp
Classification: Uncertain significance. Last evaluated: 2025-03-17. Review status: criteria provided, single submitter. Criteria: Invitae Variant Classification Sherloc (09022015). Collection method: clinical testing. Allele origin: germline.
Comment: This sequence change replaces glutamic acid, which is acidic and polar, with lysine, which is basic and polar, at codon 376 of the CNGA3 protein (p.Glu376Lys). This variant is present in population databases (no rsID available, gnomAD 0.0009%). This missense change has been observed in individuals with clinical features of achromatopsia (PMID: 20506298, 33546218; internal data). ClinVar contains an entry for this variant (Variation ID: 866210). Invitae Evidence Modeling of protein sequence and biophysical properties (such as structural, functional, and spatial information, amino acid conservation, physicochemical variation, residue mobility, and thermodynamic stability) has been performed for this missense variant. However, the output from this modeling did not meet the statistical confidence thresholds required to predict the impact of this variant on CNGA3 protein function. Experimental studies have shown that this missense change affects CNGA3 function (PMID: 20506298). In summary, the available evidence is currently insufficient to determine the role of this variant in disease. Therefore, it has been classified as a Variant of Uncertain Significance.

Fulgent Genetics
Classification: Likely pathogenic for Achromatopsia 2. Last evaluated: 2024-01-22. Review status: criteria provided, single submitter. Criteria: ACMG Guidelines, 2015. Collection method: clinical testing. Allele origin: germline.

Institute of Medical Molecular Genetics, University of Zurich
Classification: Likely pathogenic for Achromatopsia 2. Last evaluated: 2021-01-30. Review status: criteria provided, single submitter. Criteria: ACMG Guidelines, 2015. Collection method: clinical testing. Allele origin: unknown. Affected: yes.

Blueprint Genetics
Classification: Pathogenic for CNGA3-related disorders. Last evaluated: 2019-09-25. Review status: criteria provided, single submitter. Criteria: ACMG Guidelines, 2015. Collection method: clinical testing. Allele origin: germline. Affected: yes. Observed: 3 variant alleles.

Literature cited by the submitters: PubMed 20506298 (cited by Labcorp Genetics (formerly Invitae), Labcorp); PubMed 33546218 (cited by Labcorp Genetics (formerly Invitae), Labcorp).